The following is an entry in ClinVar:

NM_006133.3(DAGLA):c.12C>T (p.Ile4=)

Gene: DAGLA (diacylglycerol lipase alpha; plus strand). Cytogenetic location: 11q12.2.
Variant type: single nucleotide variant.
Coding change: c.12C>T on transcript NM_006133.3 (MANE Select); coding-DNA position 12, C replaced by T.
Protein change: p.Ile4=; no amino-acid change (isoleucine 4 retained).
Molecular consequence: synonymous variant.
Genome position (GRCh38, 1-based): chr11:61,720,167, C>T. VCF-style: chr11-61720167-C-T. GRCh37 (hg19) VCF-style: chr11-61487639-C-T.
Identifiers: ClinVar variation 3052577 (VCV003052577.2), dbSNP rs142265242, ClinGen allele CA6036439.
Genomic context (GRCh38, chr11:61,720,167, plus strand): 5'-TTCAGGAGGTGAGCACCAGGCCCACTGAGCCTCTGCAGAGCCACCAGCCATGCCCGGGAT[C>T]GTGGTGTTCCGGCGGCGCTGGTCTGTGGGCAGTGATGACCTCGTCCTACCGGCCATCTTC-3'
Protein context (NP_006124.1, residues 1-14): MPG[Ile4=]VVFRRRWSVG

ClinVar aggregate classification (germline): Likely benign (0 of 4 stars; one submission).

Conditions:
DAGLA-related disorder. Also called: DAGLA-related condition.

Allele frequency attached by ClinVar (database versions not stated): gnomAD 0.00068; ExAC 0.00084; gnomAD exomes 0.00105; ESP Exome Variant Server 0.00123.
gnomAD v4.1: 1,611 of 1,612,976 alleles (0.1%); highest among the groups gnomAD compares: Non-Finnish European, 0.13%; 3 homozygotes.

Submission:

PreventionGenetics, part of Exact Sciences
Classification: Likely benign for DAGLA-related condition. Last evaluated: 2020-01-10. Review status: no assertion criteria provided. Collection method: clinical testing. Allele origin: germline.
Comment: This variant is classified as likely benign based on ACMG/AMP sequence variant interpretation guidelines (Richards et al. 2015 PMID: 25741868, with internal and published modifications).